The following is an entry in ClinVar:

ClinVar aggregate classification (germline): Uncertain significance (1 of 4 stars; one submission).

Conditions:
MRAP2-related disorder. Also called: MRAP2-related condition.

gnomAD v4.1: 5 of 1,614,028 alleles (0.00031%); highest among the groups gnomAD compares: African/African-American, 0.004%; no homozygotes.

Submission:

PreventionGenetics, part of Exact Sciences
Classification: Uncertain significance for MRAP2-related condition. Last evaluated: 2024-10-11. Review status: criteria provided, single submitter. Criteria: ACMG Guidelines, 2015. Collection method: clinical testing. Allele origin: germline.
Comment: The MRAP2 c.128-1G>A variant is predicted to disrupt the AG splice acceptor site and interfere with normal splicing. To our knowledge, this variant has not been reported in the literature. This variant is reported in 0.0033% of alleles in individuals of South Asian descent in gnomAD. At this time, the clinical significance of this variant is uncertain due to the absence of conclusive functional and genetic evidence.

NM_138409.4(MRAP2):c.128-1G>A

Gene: MRAP2 (melanocortin 2 receptor accessory protein 2; plus strand). Cytogenetic location: 6q14.2.
Variant type: single nucleotide variant.
Coding change: c.128-1G>A on transcript NM_138409.4 (MANE Select); the canonical splice acceptor site of the intron before coding-DNA position 128, G replaced by A.
Molecular consequence: splice acceptor variant. On other transcripts: intron variant (1).
Genome position (GRCh38, 1-based): chr6:84,062,892, G>A. VCF-style: chr6-84062892-G-A. GRCh37 (hg19) VCF-style: chr6-84772611-G-A.
Other names: c.128-1G>A (NM_001346542.2, NM_001346544.2); c.-132-1G>A (NM_001346543.2); c.-32+7447G>A (NM_001346541.2).
Identifiers: ClinVar variation 4977143 (VCV004977143.1).